The following is an entry in ClinVar:

ClinVar aggregate classification (germline): Uncertain significance (1 of 4 stars; one submission).

Conditions:
Immunodeficiency 104. Also called: Severe combined immunodeficiency, autosomal recessive, T cell-negative, B cell-positive, NK cell-positive; SCID, AUTOSOMAL RECESSIVE, T CELL-NEGATIVE, B CELL-POSITIVE, NK CELL-POSITIVE; IMMUNODEFICIENCY 104, SEVERE COMBINED; Severe Combined Immune Deficiency, Autosomal Recessive, TCell -Negative, B Cell-Positive, NK Cell-Positive, IL7R-Related. Identifiers: MedGen C5676890, MONDO:0012163, OMIM 608971.

Allele frequency attached by ClinVar (database versions not stated): ExAC 0.00001; TOPMed 0.00002; gnomAD 0.00003; gnomAD exomes 0.00001.
gnomAD v4.1: 20 of 1,614,116 alleles (0.0012%); highest among the groups gnomAD compares: African/African-American, 0.0027%; no homozygotes.

Submission:

Labcorp Genetics (formerly Invitae), Labcorp
Classification: Uncertain significance for Immunodeficiency 104. Last evaluated: 2022-10-24. Review status: criteria provided, single submitter. Criteria: Invitae Variant Classification Sherloc (09022015). Collection method: clinical testing. Allele origin: germline.
Comment: This sequence change replaces threonine, which is neutral and polar, with isoleucine, which is neutral and non-polar, at codon 126 of the PTPRC protein (p.Thr126Ile). This variant is present in population databases (rs753127621, gnomAD 0.003%). This variant has not been reported in the literature in individuals affected with PTPRC-related conditions. ClinVar contains an entry for this variant (Variation ID: 657287). Algorithms developed to predict the effect of missense changes on protein structure and function are either unavailable or do not agree on the potential impact of this missense change (SIFT: "Deleterious"; PolyPhen-2: "Possibly Damaging"; Align-GVGD: "Class C0"). In summary, the available evidence is currently insufficient to determine the role of this variant in disease. Therefore, it has been classified as a Variant of Uncertain Significance.

NM_002838.5(PTPRC):c.377C>T (p.Thr126Ile)

Gene: PTPRC (protein tyrosine phosphatase receptor type C; plus strand). Cytogenetic location: 1q31.3.
Variant type: single nucleotide variant.
Coding change: c.377C>T on transcript NM_002838.5 (MANE Select); coding-DNA position 377, C replaced by T.
Protein change: p.Thr126Ile; replaces threonine 126 with isoleucine.
Molecular consequence: missense variant. On other transcripts: intron variant (1).
Genome position (GRCh38, 1-based): chr1:198,699,642, C>T. VCF-style: chr1-198699642-C-T. GRCh37 (hg19) VCF-style: chr1-198668771-C-T.
Other names: c.101-3656C>T (NM_080921.4); short protein forms T126I.
Identifiers: ClinVar variation 657287 (VCV000657287.6), dbSNP rs753127621, ClinGen allele CA1314477.